The following is an entry in ClinVar:

NM_001287.6(CLCN7):c.521_523del (p.Phe174del)

Gene: CLCN7 (chloride voltage-gated channel 7; minus strand). Cytogenetic location: 16p13.3.
Variant type: Deletion.
Coding change: c.521_523del on transcript NM_001287.6 (MANE Select); coding-DNA positions 521 to 523, 3 bases deleted (TCT; older notation c.521_523delTCT).
Protein change: p.Phe174del; deletes phenylalanine 174.
Molecular consequence: inframe deletion.
Genome position (GRCh38, 1-based): chr16:1,460,489-1,460,491, AGA deleted on the plus strand (TCT on the coding strand, the reverse complement: CLCN7 is on the minus strand); deleting any 3 consecutive bases within chr16:1,460,489-1,460,493 gives the same sequence; the c. name uses the placement nearest the transcript's 3' end. VCF-style (leftmost placement, unchanged base first): chr16-1460488-GAGA-G. GRCh37 (hg19) VCF-style: chr16-1510489-GAGA-G.
Other names: c.449_451del, p.Phe150del (NM_001114331.3); short protein forms F174del, F150del.
Identifiers: ClinVar variation 1941122 (VCV001941122.5), dbSNP rs1226495775, ClinGen allele CA620698254.

ClinVar aggregate classification (germline): Uncertain significance (1 of 4 stars; one submission).

Submission:

Labcorp Genetics (formerly Invitae), Labcorp
Classification: Uncertain significance. Last evaluated: 2025-12-03. Review status: criteria provided, single submitter. Criteria: Invitae Variant Classification Sherloc (09022015). Collection method: clinical testing. Allele origin: germline.
Comment: This variant, c.521_523del, results in the deletion of 1 amino acid(s) of the CLCN7 protein (p.Phe174del), but otherwise preserves the integrity of the reading frame. This variant is present in population databases (no rsID available, gnomAD 0.03%). This variant has not been reported in the literature in individuals affected with CLCN7-related conditions. ClinVar contains an entry for this variant (Variation ID: 1941122). Experimental studies and prediction algorithms are not available or were not evaluated, and the functional significance of this variant is currently unknown. In summary, the available evidence is currently insufficient to determine the role of this variant in disease. Therefore, it has been classified as a Variant of Uncertain Significance.